The following is an entry in ClinVar:

NM_032119.4(ADGRV1):c.1527_1532delinsAAAGC (p.Asp510fs)

Gene: ADGRV1 (adhesion G protein-coupled receptor V1; plus strand). Cytogenetic location: 5q14.3.
Variant type: Indel.
Coding change: c.1527_1532delinsAAAGC on transcript NM_032119.4 (MANE Select); coding-DNA positions 1527 to 1532, GGATAG replaced by AAAGC.
Protein change: p.Asp510fs; shifts the reading frame from aspartic acid 510.
Molecular consequence: frameshift variant. On other transcripts: non-coding transcript variant (1).
Genome position (GRCh38, 1-based): chr5:90,629,227-90,629,232, GGATAG replaced by AAAGC. VCF-style: chr5-90629227-GGATAG-AAAGC. GRCh37 (hg19) VCF-style: chr5-89925044-GGATAG-AAAGC.
Other names: short protein forms D510fs.
Identifiers: ClinVar variation 4687964 (VCV004687964.1).

ClinVar aggregate classification (germline): Likely pathogenic (1 of 4 stars; one submission).

Conditions:
Usher syndrome type 2C. Also called: Usher syndrome, type 2B; USHER SYNDROME, TYPE IIC. Identifiers: Orphanet 231178, Orphanet 886, MedGen C2931213, MONDO:0011558, OMIM 605472.

Submission:

Human Genetics Bochum, Ruhr University Bochum
Classification: Likely pathogenic for Usher syndrome type 2C. Last evaluated: 2025-10-16. Review status: criteria provided, single submitter. Criteria: ACMG Guidelines, 2015. Collection method: clinical testing. Allele origin: germline. Affected: yes.
Comment: in compound heterozygous state with c.12185G>A; ACMG criteria used to clasify this variant: PVS1, PM2_SUP